The following is an entry in ClinVar:

NM_017864.4(INTS8):c.300G>A (p.Glu100=)

Gene: INTS8 (integrator complex subunit 8; plus strand). Cytogenetic location: 8q22.1.
Variant type: single nucleotide variant.
Coding change: c.300G>A on transcript NM_017864.4 (MANE Select); coding-DNA position 300, G replaced by A.
Protein change: p.Glu100=; no amino-acid change (glutamic acid 100 retained).
Molecular consequence: synonymous variant. On other transcripts: non-coding transcript variant (2).
Genome position (GRCh38, 1-based): chr8:94,825,062, G>A. VCF-style: chr8-94825062-G-A. GRCh37 (hg19) VCF-style: chr8-95837290-G-A.
Identifiers: ClinVar variation 3040489 (VCV003040489.2), dbSNP rs141032302, ClinGen allele CA4813252.

ClinVar aggregate classification (germline): Likely benign (0 of 4 stars; one submission).

Conditions:
INTS8-related disorder. Also called: INTS8-related condition.

Allele frequency attached by ClinVar (database versions not stated): ExAC 0.00025; 1000 Genomes Project 0.00060; ESP Exome Variant Server 0.00085; gnomAD 0.00086; TOPMed 0.00086; 1000 Genomes Project 30x 0.00094.
gnomAD v4.1: 314 of 1,594,878 alleles (0.02%); highest among the groups gnomAD compares: African/African-American, 0.31%; no homozygotes.

Submission:

PreventionGenetics, part of Exact Sciences
Classification: Likely benign for INTS8-related condition. Last evaluated: 2019-12-23. Review status: no assertion criteria provided. Collection method: clinical testing. Allele origin: germline.
Comment: This variant is classified as likely benign based on ACMG/AMP sequence variant interpretation guidelines (Richards et al. 2015 PMID: 25741868, with internal and published modifications).